The following is an entry in ClinVar:

NM_000718.4(CACNA1B):c.2281_2284dup (p.Ala762fs)

Gene: CACNA1B (calcium voltage-gated channel subunit alpha1 B; plus strand). Cytogenetic location: 9q34.3.
Variant type: Duplication.
Coding change: c.2281_2284dup on transcript NM_000718.4 (MANE Select); coding-DNA positions 2281 to 2284, 4 bases duplicated (TCGG; older notation c.2281_2284dupTCGG).
Protein change: p.Ala762fs; shifts the reading frame from alanine 762.
Molecular consequence: frameshift variant.
Genome position (GRCh38, 1-based): chr9:138,023,024-138,023,027, TCGG duplicated. VCF-style (leftmost placement, unchanged base first): chr9-138023023-C-CTCGG. GRCh37 (hg19) VCF-style: chr9-140917475-C-CTCGG.
Other names: c.2281_2284dup, p.Ala762fs (NM_001243812.2); short protein forms A762fs.
Identifiers: ClinVar variation 3701397 (VCV003701397.2).
Genomic context (GRCh38, chr9:138,023,023, plus strand): 5'-GCGGGCGGGCGGCAGACGGGGCCGCGCTCACCGCCAGTCTCCCCGCAGCAGGCAGCAGAA[C>CTCGG]TCGGCCAAGGCGCGCTCGGTGTGGGAGCAGCGGGCCAGCCAGCTACGGCTGCAGAACCTG-3'

ClinVar aggregate classification (germline): Pathogenic (1 of 4 stars; one submission).

Submission:

Labcorp Genetics (formerly Invitae), Labcorp
Classification: Pathogenic. Last evaluated: 2024-03-13. Review status: criteria provided, single submitter. Criteria: Invitae Variant Classification Sherloc (09022015). Collection method: clinical testing. Allele origin: germline.
Comment: This sequence change creates a premature translational stop signal (p.Ala762Valfs*77) in the CACNA1B gene. It is expected to result in an absent or disrupted protein product. Loss-of-function variants in CACNA1B are known to be pathogenic (PMID: 30982612). This variant is not present in population databases (gnomAD no frequency). This variant has not been reported in the literature in individuals affected with CACNA1B-related conditions. For these reasons, this variant has been classified as Pathogenic.

Literature cited by the submitters: PubMed 30982612.